The following is an entry in ClinVar:

ClinVar aggregate classification (germline): Uncertain significance (1 of 4 stars; one submission).

gnomAD v4.1: 9 of 1,613,932 alleles (0.00056%); highest among the groups gnomAD compares: African/African-American, 0.004%; no homozygotes.

Submission:

Labcorp Genetics (formerly Invitae), Labcorp
Classification: Uncertain significance. Last evaluated: 2022-04-12. Review status: criteria provided, single submitter. Criteria: Invitae Variant Classification Sherloc (09022015). Collection method: clinical testing. Allele origin: germline.
Comment: This sequence change replaces arginine, which is basic and polar, with lysine, which is basic and polar, at codon 235 of the VARS2 protein (p.Arg235Lys). This variant is present in population databases (rs147382026, gnomAD 0.02%). This variant has not been reported in the literature in individuals affected with VARS2-related conditions. Algorithms developed to predict the effect of missense changes on protein structure and function are either unavailable or do not agree on the potential impact of this missense change (SIFT: "Tolerated"; PolyPhen-2: "Possibly Damaging"; Align-GVGD: "Class C0"). In summary, the available evidence is currently insufficient to determine the role of this variant in disease. Therefore, it has been classified as a Variant of Uncertain Significance.

NM_020442.6(VARS2):c.614G>A (p.Arg205Lys)

Gene: VARS2 (valyl-tRNA synthetase 2, mitochondrial; plus strand). Cytogenetic location: 6p21.33.
Variant type: single nucleotide variant.
Coding change: c.614G>A on transcript NM_020442.6 (MANE Select); coding-DNA position 614, G replaced by A.
Protein change: p.Arg205Lys; replaces arginine 205 with lysine.
Molecular consequence: missense variant.
Genome position (GRCh38, 1-based): chr6:30,916,192, G>A. VCF-style: chr6-30916192-G-A. GRCh37 (hg19) VCF-style: chr6-30883969-G-A.
Other names: c.194G>A, p.Arg65Lys (NM_001167733.3); c.704G>A, p.Arg235Lys (NM_001167734.2); short protein forms R65K, R205K, R235K.
Identifiers: ClinVar variation 2076760 (VCV002076760.4), dbSNP rs147382026, ClinGen allele CA3705669.